The following is an entry in ClinVar:

NM_015909.4(NBAS):c.2950del (p.Ile984fs)

Gene: NBAS (NBAS subunit of NRZ tethering complex; minus strand). Cytogenetic location: 2p24.3.
Variant type: Deletion.
Coding change: c.2950del on transcript NM_015909.4 (MANE Select); coding-DNA position 2950, one base deleted (A; older notation c.2950delA).
Protein change: p.Ile984fs; shifts the reading frame from isoleucine 984.
Molecular consequence: frameshift variant. On other transcripts: non-coding transcript variant (1).
Genome position (GRCh38, 1-based): chr2:15,402,289, T deleted on the plus strand (A on the coding strand, the reverse complement: NBAS is on the minus strand); the first of 6 consecutive T bases (chr2:15,402,289-15,402,294); deleting any one gives the same sequence. VCF-style (leftmost placement, unchanged base first): chr2-15402288-AT-A. GRCh37 (hg19) VCF-style: chr2-15542412-AT-A.
Other names: c.2950del (NM_015909.3); c.2950delA (NM_015909.4); short protein forms I984fs.
Identifiers: ClinVar variation 501319 (VCV000501319.49), dbSNP rs776797592, ClinGen allele CA1536205.

ClinVar aggregate classification (germline): Pathogenic/Likely pathogenic. Review status: criteria provided, multiple submitters, no conflicts (2 of 4 stars). 12 submissions from 12 submitters: Pathogenic (6); Likely pathogenic (6). Last evaluated 2026-06-11.

Conditions:
Short stature-optic atrophy-Pelger-Huët anomaly syndrome. Also called: Short stature-optic atrophy-Pelger-HuC+t anomaly syndrome; Short stature, optic nerve atrophy, and Pelger-Huet anomaly. Identifiers: Orphanet 391677, MedGen C3541319, MONDO:0013889, OMIM 614800.
Infantile liver failure syndrome 2 (ILFS2). Identifiers: MedGen C3809651, MONDO:0014659, OMIM 616483.
Acute infantile liver failure due to synthesis defect of mtDNA-encoded proteins. Also called: TRMU Deficiency; LIVER FAILURE, INFANTILE, TRANSIENT; Liver failure acute infantile. Identifiers: Orphanet 217371, MedGen C3278664, MONDO:0013111, OMIM 613070.
NBAS-related disorder. Also called: NBAS-related condition.
Monogenic short statue.
Infantile liver failure. Also called: Infantile liver failure syndrome; Fever-associated acute infantile liver failure syndrome. Identifiers: Orphanet 464724, MedGen C5681094, MONDO:0000023.
Retinal disorder. Also called: Retinopathies; Retinal Diseases; Retinopathy; Retinal disorders. Identifiers: MedGen C0035309, MONDO:0005283, HP:0000488.

Submissions (12):

Genetics Laboratory, Great Ormond Street Hospital NHS Foundation Trust, North Thames Genomic Laboratory Hub
Classification: Pathogenic for Retinal disorders. Last evaluated: 2026-06-11. Review status: criteria provided, single submitter. Criteria: ACGS Best Practice Guidelines for Variant Classification in Rare Disease 2024 v1.2. Collection method: clinical testing. Allele origin: germline. Affected: yes.
Comment: PM2_moderate, PVS1_very-strong

PreventionGenetics, part of Exact Sciences
Classification: Likely pathogenic for NBAS-related condition. Last evaluated: 2026-05-30. Review status: criteria provided, single submitter. Criteria: ACMG Guidelines, 2015. Collection method: clinical testing. Allele origin: germline.
Comment: The NBAS c.2950delA variant is predicted to result in a frameshift and premature protein termination (p.Ile984Leufs*8). This variant has been reported in the presumed compound heterozygous state with a second NBAS variant in two unrelated individuals with a clinical diagnosis of short stature, optic nerve atrophy and Pelger-Huët anomaly (SOPH) syndrome (Fischer-Zirnsak et al. 2019. PubMed ID: 31015584; Staufner et al. 2020. PubMed ID: 31761904). This variant is reported in 0.024% of alleles in individuals of European (non-Finnish) descent in gnomAD. Frameshift variants in NBAS are expected to be pathogenic. This variant is interpreted as likely pathogenic.

Labcorp Genetics (formerly Invitae), Labcorp
Classification: Pathogenic. Last evaluated: 2026-01-13. Review status: criteria provided, single submitter. Criteria: Invitae Variant Classification Sherloc (09022015). Collection method: clinical testing. Allele origin: germline.
Comment: This sequence change creates a premature translational stop signal (p.Ile984Leufs*8) in the NBAS gene. It is expected to result in an absent or disrupted protein product. Loss-of-function variants in NBAS are known to be pathogenic (PMID: 26073778, 26541327, 27789416, 28031453). This variant is present in population databases (rs776797592, gnomAD 0.03%). This premature translational stop signal has been observed in individual(s) with NBAS-related disorders (PMID: 31761904). ClinVar contains an entry for this variant (Variation ID: 501319). For these reasons, this variant has been classified as Pathogenic.

NHS Central & South Genomic Laboratory Hub
Classification: Likely pathogenic for Monogenic short statue. Last evaluated: 2025-10-21. Review status: criteria provided, single submitter. Criteria: ACMG Guidelines, 2015. Collection method: clinical testing. Allele origin: germline. Affected: yes.

Blueprint Genetics
Classification: Pathogenic for NBAS-related disorders. Last evaluated: 2024-11-26. Review status: criteria provided, single submitter. Criteria: ACMG Guidelines, 2015. Collection method: clinical testing. Allele origin: germline. Affected: yes. Observed: 5 variant alleles.

Women's Health and Genetics/Laboratory Corporation of America, LabCorp
Classification: Pathogenic for Acute infantile liver failure due to synthesis defect of mtDNA-encoded proteins. Last evaluated: 2023-11-02. Review status: criteria provided, single submitter. Criteria: LabCorp Variant Classification Summary - May 2015. Collection method: clinical testing. Allele origin: germline.
Comment: Variant summary: NBAS c.2950delA (p.Ile984LeufsX8) results in a premature termination codon, predicted to cause a truncation of the encoded protein or absence of the protein due to nonsense mediated decay, which are commonly known mechanisms for disease. Variants downstream of this position have been classified as pathogenic in ClinVar. The variant allele was found at a frequency of 0.00011 in 251026 control chromosomes (gnomAD). This frequency is not significantly higher than estimated for a pathogenic variant in NBAS causing Liver Failure Acute Infantile, Type 2 (0.00011 vs 0.0011), allowing no conclusion about variant significance. c.2950delA has been reported in the literature in individuals affected with NBAS-related disorders (example: Staufner_2020). The following publication has been ascertained in the context of this evaluation (PMID: 31761904). Six submitters have cited clinical-significance assessments for this variant to ClinVar after 2014. All submitters classified the variant as pathogenic/likely pathogenic. Based on the evidence outlined above, the variant was classified as pathogenic.

GeneDx
Classification: Likely pathogenic. Last evaluated: 2023-08-29. Review status: criteria provided, single submitter. Criteria: GeneDx Variant Classification Process June 2021. Collection method: clinical testing. Allele origin: germline. Affected: yes.
Comment: Frameshift variant predicted to result in protein truncation or nonsense mediated decay in a gene for which loss of function is a known mechanism of disease; This variant is associated with the following publications: (PMID: 30609409, 31589614, 31980526, 31964843, 34386911, 31015584, 31761904)

CeGaT Center for Human Genetics Tuebingen
Classification: Likely pathogenic. Last evaluated: 2022-12-01. Review status: criteria provided, single submitter. Criteria: CeGaT Center For Human Genetics Tuebingen Variant Classification Criteria Version 2. Collection method: clinical testing. Allele origin: germline. Affected: yes. Observed: 1 variant allele.
Comment: NBAS: PVS1, PM2:Supporting

Fulgent Genetics
Classification: Likely pathogenic for Short stature-optic atrophy-Pelger-Huët anomaly syndrome; Infantile liver failure syndrome 2. Last evaluated: 2022-04-28. Review status: criteria provided, single submitter. Criteria: ACMG Guidelines, 2015. Collection method: clinical testing. Allele origin: unknown.

Institute of Medical Genetics and Applied Genomics, University Hospital Tübingen
Classification: Pathogenic. Last evaluated: 2020-10-23. Review status: criteria provided, single submitter. Criteria: ACMG Guidelines, 2015. Collection method: clinical testing. Allele origin: germline. Inheritance: Autosomal recessive inheritance. Affected: yes.

Laboratory for Molecular Medicine, Mass General Brigham Personalized Medicine
Classification: Pathogenic for Infantile liver failure. Last evaluated: 2017-09-01. Review status: criteria provided, single submitter. Criteria: LMM Criteria. Collection method: clinical testing. Allele origin: germline. Inheritance: Autosomal recessive inheritance. Observed: 1 variant allele.
Comment: The p.Ile984LeufsX8 variant in NBAS has not been reported in individuals with di sease and has been identified in 9/120,878 of chromosomes by the Exome Aggregati on Consortium (ExAC; dbSNP rs140841721). Althou gh this variant has been seen in the general population, its frequency is low en ough to be consistent with a recessive carrier frequency. This variant is predic ted to cause a frameshift, which alters the protein?s amino acid sequence beginn ing at position 984 and leads to a premature termination codon 8 amino acids dow nstream. This alteration is then predicted to lead to a truncated or absent prot ein. Homozygous or compound heterozygous mutations in NBAS have been associated with Infantile liver failure syndrome 2. In summary, this variant meets our cr iteria to be classified as pathogenic for Infantile liver failure syndrome 2 in an autosomal recessive manner based on low frequency in controls and functional prediction

Eurofins Ntd Llc (ga)
Classification: Likely pathogenic. Last evaluated: 2017-04-26. Review status: criteria provided, single submitter. Criteria: EGL Classification Definitions 2015. Collection method: clinical testing. Allele origin: germline. Observed: 1 variant allele, 1 heterozygote.

Literature cited by the submitters: PubMed 26073778 (cited by Labcorp Genetics (formerly Invitae), Labcorp); PubMed 26541327 (cited by Labcorp Genetics (formerly Invitae), Labcorp); PubMed 27789416 (cited by Labcorp Genetics (formerly Invitae), Labcorp); PubMed 28031453 (cited by Labcorp Genetics (formerly Invitae), Labcorp); PubMed 31761904 (cited by Labcorp Genetics (formerly Invitae), Labcorp and Women's Health and Genetics/Laboratory Corporation of America, LabCorp).